The following is an entry in ClinVar:

NM_177438.3(DICER1):c.1547T>A (p.Leu516His)

Gene: DICER1 (dicer 1, ribonuclease III; minus strand). Cytogenetic location: 14q32.13.
Variant type: single nucleotide variant.
Coding change: c.1547T>A on transcript NM_177438.3 (MANE Select); coding-DNA position 1547, T replaced by A.
Protein change: p.Leu516His; replaces leucine 516 with histidine.
Molecular consequence: missense variant. On other transcripts: non-coding transcript variant (6), intron variant (1).
Genome position (GRCh38, 1-based): chr14:95,116,658, A>T on the plus strand (T>A on the coding strand, the complement: DICER1 is on the minus strand). VCF-style: chr14-95116658-A-T. GRCh37 (hg19) VCF-style: chr14-95582995-A-T.
Other names: c.1547T>A, p.Leu516His (NM_001395692.1, NM_001395693.1, NM_001395694.1 and 12 more transcripts); c.1142T>A, p.Leu381His (NM_001395696.1, NM_001395698.1, NM_001395687.1 and 3 more transcripts); c.-59-78T>A (NM_001395697.1); c.1265T>A, p.Leu422His (NM_001395686.1); c.980T>A, p.Leu327His (NM_001395691.1); short protein forms L327H, L381H, L422H, L516H.
Identifiers: ClinVar variation 4869764 (VCV004869764.1).

ClinVar aggregate classification (germline): Uncertain significance (1 of 4 stars; one submission).

Conditions:
Hereditary cancer-predisposing syndrome. Also called: Neoplastic Syndromes, Hereditary; Tumor predisposition; Hereditary Cancer Syndrome; Hereditary neoplastic syndrome. Identifiers: Orphanet 140162, MedGen C0027672, MeSH D009386, MONDO:0015356.

Submission:

Ambry Genetics
Classification: Uncertain significance for Hereditary cancer-predisposing syndrome. Last evaluated: 2026-04-18. Review status: criteria provided, single submitter. Criteria: Ambry Variant Classification Scheme 2023. Collection method: clinical testing. Allele origin: germline.
Comment: The p.L516H variant (also known as c.1547T>A), located in coding exon 9 of the DICER1 gene, results from a T to A substitution at nucleotide position 1547. The leucine at codon 516 is replaced by histidine, an amino acid with similar properties. This amino acid position is conserved. In addition, this alteration is predicted to be deleterious by in silico analysis. Based on the available evidence, the clinical significance of this variant remains unclear.